The following is an entry in ClinVar:

ClinVar aggregate classification (germline): Benign (1 of 4 stars; one submission).

Allele frequency attached by ClinVar (database versions not stated): 1000 Genomes Project 0.84425; 1000 Genomes Project 30x 0.84525; TOPMed 0.90177; gnomAD 0.91296 and 0.91707.
gnomAD v4.1: 139,013 of 152,242 alleles (91%); highest among the groups gnomAD compares: Middle Eastern, 97%; 63,892 homozygotes.

Submission:

GeneDx
Classification: Benign. Last evaluated: 2018-06-14. Review status: criteria provided, single submitter. Criteria: GeneDx Variant Classification (06012015). Collection method: clinical testing. Allele origin: germline. Affected: yes.
Comment: This variant is considered likely benign or benign based on one or more of the following criteria: it is a conservative change, it occurs at a poorly conserved position in the protein, it is predicted to be benign by multiple in silico algorithms, and/or has population frequency not consistent with disease.

NM_001013703.4(EIF2AK4):c.744-311G>A

Gene: EIF2AK4 (eukaryotic translation initiation factor 2 alpha kinase 4; plus strand). Cytogenetic location: 15q15.1.
Variant type: single nucleotide variant.
Coding change: c.744-311G>A on transcript NM_001013703.4 (MANE Select); 311 bases into the intron before coding-DNA position 744, G replaced by A.
Molecular consequence: intron variant.
Genome position (GRCh38, 1-based): chr15:39,961,473, G>A. VCF-style: chr15-39961473-G-A. GRCh37 (hg19) VCF-style: chr15-40253674-G-A.
Identifiers: ClinVar variation 683489 (VCV000683489.1), dbSNP rs536503, ClinGen allele CA15843618.